The following is an entry in ClinVar:

NM_002485.5(NBN):c.1171C>T (p.Gln391Ter)

Gene: NBN (nibrin; minus strand). Cytogenetic location: 8q21.3.
Variant type: single nucleotide variant.
Coding change: c.1171C>T on transcript NM_002485.5 (MANE Select); coding-DNA position 1171, C replaced by T.
Protein change: p.Gln391Ter; replaces glutamine 391 with a stop codon.
Molecular consequence: nonsense.
Genome position (GRCh38, 1-based): chr8:89,955,509, G>A on the plus strand (C>T on the coding strand, the complement: NBN is on the minus strand). VCF-style: chr8-89955509-G-A. GRCh37 (hg19) VCF-style: chr8-90967737-G-A.
Other names: c.925C>T, p.Gln309Ter (NM_001024688.3); short protein forms Q391*, Q309*.
Identifiers: ClinVar variation 480063 (VCV000480063.16), dbSNP rs1554559323, ClinGen allele CA371656435.

ClinVar aggregate classification (germline): Pathogenic. Review status: criteria provided, multiple submitters, no conflicts (2 of 4 stars). 4 submissions from 4 submitters: Pathogenic (4). Last evaluated 2024-01-30.

Conditions:
Hereditary cancer-predisposing syndrome. Also called: Hereditary neoplastic syndrome; Neoplastic Syndromes, Hereditary; Tumor predisposition; Hereditary Cancer Syndrome. Identifiers: Orphanet 140162, MedGen C0027672, MeSH D009386, MONDO:0015356.
Microcephaly, normal intelligence and immunodeficiency (NBS). Also called: IMMUNODEFICIENCY, MICROCEPHALY, AND CHROMOSOMAL INSTABILITY; SEEMANOVA SYNDROME II; Nijmegen breakage syndrome; Microcephaly with normal intelligence immunodeficiency and lymphoreticular malignancies; Nonsyndromal microcephaly autosomal recessive with normal intelligence; Seemanova syndrome 2. Identifiers: Orphanet 647, MedGen C0398791, MONDO:0009623, OMIM 251260.

Submissions (4):

Labcorp Genetics (formerly Invitae), Labcorp
Classification: Pathogenic for Microcephaly, normal intelligence and immunodeficiency. Last evaluated: 2024-01-30. Review status: criteria provided, single submitter. Criteria: Invitae Variant Classification Sherloc (09022015). Collection method: clinical testing. Allele origin: germline.
Comment: This sequence change creates a premature translational stop signal (p.Gln391*) in the NBN gene. It is expected to result in an absent or disrupted protein product. Loss-of-function variants in NBN are known to be pathogenic (PMID: 9590180, 16415040). This variant is not present in population databases (gnomAD no frequency). This variant has not been reported in the literature in individuals affected with NBN-related conditions. ClinVar contains an entry for this variant (Variation ID: 480063). For these reasons, this variant has been classified as Pathogenic.

Genome-Nilou Lab
Classification: Pathogenic for Microcephaly, normal intelligence and immunodeficiency. Last evaluated: 2021-11-07. Review status: criteria provided, single submitter. Criteria: ACMG Guidelines, 2015. Collection method: clinical testing. Allele origin: germline. Affected: no.

Revvity Omics, Revvity
Classification: Pathogenic. Last evaluated: 2020-04-17. Review status: criteria provided, single submitter. Criteria: ACMG Guidelines, 2015. Collection method: clinical testing. Allele origin: germline.

Ambry Genetics
Classification: Pathogenic for Hereditary cancer-predisposing syndrome. Last evaluated: 2017-03-20. Review status: criteria provided, single submitter. Criteria: Ambry Variant Classification Scheme 2023. Collection method: clinical testing. Allele origin: germline.
Comment: The p.Q391* pathogenic mutation (also known as c.1171C>T), located in coding exon 10 of the NBN gene, results from a C to T substitution at nucleotide position 1171. This changes the amino acid from a glutamine to a stop codon within coding exon 10. This alteration is expected to result in loss of function by premature protein truncation or nonsense-mediated mRNA decay. As such, this alteration is interpreted as a disease-causing mutation.

Literature cited by the submitters: PubMed 9590180 (cited by Labcorp Genetics (formerly Invitae), Labcorp); PubMed 16415040 (cited by Labcorp Genetics (formerly Invitae), Labcorp).